The following is an entry in ClinVar:

NM_001172509.2(SATB2):c.2056G>A (p.Val686Met)

Genes: SATB2 (SATB homeobox 2; minus strand), LOC126806462 (MED14-independent group 3 enhancer GRCh37_chr2:200136608-200137807; plus strand). Cytogenetic location: 2q33.1.
Variant type: single nucleotide variant.
Coding change: c.2056G>A on transcript NM_001172509.2 (MANE Select); coding-DNA position 2056, G replaced by A.
Protein change: p.Val686Met; replaces valine 686 with methionine.
Molecular consequence: missense variant.
Genome position (GRCh38, 1-based): chr2:199,272,357, C>T on the plus strand (G>A on the coding strand, the complement: SATB2 is on the minus strand). VCF-style: chr2-199272357-C-T. GRCh37 (hg19) VCF-style: chr2-200137080-C-T.
Other names: c.2056G>A, p.Val686Met (NM_001172517.1, NM_015265.4); short protein forms V686M.
Identifiers: ClinVar variation 3648622 (VCV003648622.2).

ClinVar aggregate classification (germline): Uncertain significance (1 of 4 stars; one submission).

Conditions:
Chromosome 2q32-q33 deletion syndrome (GLASS). Also called: 2q33.1 deletion syndrome; Glass syndrome. Identifiers: Orphanet 251019, MedGen C2676739, MONDO:0012864, OMIM 612313.

gnomAD v4.1: 2 of 1,614,212 alleles (0.00012%); highest among the groups gnomAD compares: Non-Finnish European, 0.00017%; no homozygotes.

Submission:

Labcorp Genetics (formerly Invitae), Labcorp
Classification: Uncertain significance for Chromosome 2q32-q33 deletion syndrome. Last evaluated: 2024-04-03. Review status: criteria provided, single submitter. Criteria: Invitae Variant Classification Sherloc (09022015). Collection method: clinical testing. Allele origin: germline.
Comment: This sequence change replaces valine, which is neutral and non-polar, with methionine, which is neutral and non-polar, at codon 686 of the SATB2 protein (p.Val686Met). This variant is present in population databases (rs773932097, gnomAD 0.0009%). This variant has not been reported in the literature in individuals affected with SATB2-related conditions. Advanced modeling of protein sequence and biophysical properties (such as structural, functional, and spatial information, amino acid conservation, physicochemical variation, residue mobility, and thermodynamic stability) performed at Invitae indicates that this missense variant is not expected to disrupt SATB2 protein function with a negative predictive value of 80%. In summary, the available evidence is currently insufficient to determine the role of this variant in disease. Therefore, it has been classified as a Variant of Uncertain Significance.